The following is an entry in ClinVar:

NM_002291.3(LAMB1):c.3400T>G (p.Cys1134Gly)

Gene: LAMB1 (laminin subunit beta 1; minus strand). Cytogenetic location: 7q31.1.
Variant type: single nucleotide variant.
Coding change: c.3400T>G on transcript NM_002291.3 (MANE Select); coding-DNA position 3400, T replaced by G.
Protein change: p.Cys1134Gly; replaces cysteine 1134 with glycine.
Molecular consequence: missense variant.
Genome position (GRCh38, 1-based): chr7:107,940,350, A>C on the plus strand (T>G on the coding strand, the complement: LAMB1 is on the minus strand). VCF-style: chr7-107940350-A-C. GRCh37 (hg19) VCF-style: chr7-107580795-A-C.
Other names: short protein forms C1134G.
Identifiers: ClinVar variation 4726134 (VCV004726134.1).
Genomic context (GRCh38, chr7:107,940,350, plus strand): 5'-CGCAGACACACTGGCCCGTGGACTGGTCACACTGTGGCGTCTCAATGCCCCTGGGGTCAC[A>C]GTCACAGGCTAGAAGGGAATAAGCAATGCTAGCTGATCTACTTAATCATGAACCTCAGTG-3'
Protein context (NP_002282.2, residues 1124-1144): DPDVECRACD[Cys1134Gly]DPRGIETPQC

ClinVar aggregate classification (germline): Uncertain significance (1 of 4 stars; one submission).

Submission:

Labcorp Genetics (formerly Invitae), Labcorp
Classification: Uncertain significance. Last evaluated: 2025-12-25. Review status: criteria provided, single submitter. Criteria: Invitae Variant Classification Sherloc (09022015). Collection method: clinical testing. Allele origin: germline.
Comment: This sequence change replaces cysteine, which is neutral and slightly polar, with glycine, which is neutral and non-polar, at codon 1134 of the LAMB1 protein (p.Cys1134Gly). This variant is not present in population databases (gnomAD no frequency). This variant has not been reported in the literature in individuals affected with LAMB1-related conditions. An algorithm developed to predict the effect of missense changes on protein structure and function (PolyPhen-2) suggests that this variant is likely to be disruptive. In summary, the available evidence is currently insufficient to determine the role of this variant in disease. Therefore, it has been classified as a Variant of Uncertain Significance.